The following is an entry in ClinVar:

ClinVar aggregate classification (germline): Uncertain significance. Review status: criteria provided, single submitter (1 of 4 stars). 2 submissions from 2 submitters: Uncertain significance (1). 1 of the submissions does not count toward it. Last evaluated 2025-09-14.

Conditions:
Hajdu-Cheney syndrome (HJCYS). Also called: Acroosteolysis dominant type; SERPENTINE FIBULA-POLYCYSTIC KIDNEY SYNDROME; ACROOSTEOLYSIS WITH OSTEOPOROSIS AND CHANGES IN SKULL AND MANDIBLE. Identifiers: Orphanet 955, MedGen C0917715, MONDO:0007057, OMIM 102500.
Keratoacanthoma. Identifiers: MedGen C0022572, MeSH D007636, MONDO:0002527, HP:0031525.

Submissions (2):

Labcorp Genetics (formerly Invitae), Labcorp
Classification: Uncertain significance for Hajdu-Cheney syndrome. Last evaluated: 2025-09-14. Review status: criteria provided, single submitter. Criteria: Invitae Variant Classification Sherloc (09022015). Collection method: clinical testing. Allele origin: germline.
Comment: This sequence change replaces aspartic acid, which is acidic and polar, with asparagine, which is neutral and polar, at codon 415 of the NOTCH2 protein (p.Asp415Asn). This variant is not present in population databases (gnomAD no frequency). This missense change has been observed in individual(s) with clinical features of Alagille syndrome (internal data). ClinVar contains an entry for this variant (Variation ID: 1344877). An algorithm developed to predict the effect of missense changes on protein structure and function (PolyPhen-2) suggests that this variant is likely to be disruptive. In summary, the available evidence is currently insufficient to determine the role of this variant in disease. Therefore, it has been classified as a Variant of Uncertain Significance.

Yale Center for Mendelian Genomics, Yale University
Classification: Pathogenic for Keratoacanthoma. Last evaluated: 2016-06-07. Review status: no assertion criteria provided. Collection method: literature only. Allele origin: somatic. Affected: yes. Observed: 1 heterozygote. Study: Yale Center for Mendelian Genomics. Not counted in ClinVar's aggregate classification.

Literature cited by the submitters: PubMed 27283355 (cited by Yale Center for Mendelian Genomics, Yale University).

NM_024408.4(NOTCH2):c.1243G>A (p.Asp415Asn)

Gene: NOTCH2 (notch receptor 2; minus strand). Cytogenetic location: 1p12.
Variant type: single nucleotide variant.
Coding change: c.1243G>A on transcript NM_024408.4 (MANE Select); coding-DNA position 1243, G replaced by A.
Protein change: p.Asp415Asn; replaces aspartic acid 415 with asparagine.
Molecular consequence: missense variant.
Genome position (GRCh38, 1-based): chr1:119,968,098, C>T on the plus strand (G>A on the coding strand, the complement: NOTCH2 is on the minus strand). VCF-style: chr1-119968098-C-T. GRCh37 (hg19) VCF-style: chr1-120510721-C-T.
Other names: c.1243G>A, p.Asp415Asn (NM_001200001.2); short protein forms D415N.
Identifiers: ClinVar variation 1344877 (VCV001344877.2), dbSNP rs2101145278, ClinGen allele CA341880496.